The following is an entry in ClinVar:

NM_000132.4(F8):c.5918A>T (p.His1973Leu)

Gene: F8 (coagulation factor VIII; minus strand). Cytogenetic location: Xq28.
Variant type: single nucleotide variant.
Coding change: c.5918A>T on transcript NM_000132.4 (MANE Select); coding-DNA position 5918, A replaced by T.
Protein change: p.His1973Leu; replaces histidine 1973 with leucine.
Molecular consequence: missense variant.
Genome position (GRCh38, 1-based): chrX:154,903,986, T>A on the plus strand (A>T on the coding strand, the complement: F8 is on the minus strand). VCF-style: chrX-154903986-T-A. GRCh37 (hg19) VCF-style: chrX-154132261-T-A.
Other names: short protein forms H1973L.
Identifiers: ClinVar variation 627340 (VCV000627340.3), dbSNP rs1273080258, ClinGen allele CA414905984.
Genomic context (GRCh38, chrX:154,903,986, plus strand): 5'-GCCATTTTATACTCCTCTTTTTTTCGTACAGTGAACACATGTCCACTGAAATGAATAGAA[T>A]GGATGTTTTCATTGCTGCCCATGCTGAGCAGATACCATCGAATCCTTTGATCCTGAGCCA-3'
Protein context (NP_000123.1, residues 1963-1983): LLSMGSNENI[His1973Leu]SIHFSGHVFT

ClinVar aggregate classification (germline): Pathogenic/Likely pathogenic. Review status: criteria provided, multiple submitters, no conflicts (2 of 4 stars). 2 submissions from 2 submitters: Pathogenic (1); Likely pathogenic (1). Last evaluated 2025-10-23.

Conditions:
Factor VIII deficiency. Identifiers: MedGen C3494187, OMIM 134500.
Hereditary factor IX deficiency disease (HEMB). Also called: F9 DEFICIENCY; FACTOR IX DEFICIENCY; PLASMA THROMBOPLASTIN COMPONENT DEFICIENCY; Hemophilia B; Christmas Disease. Identifiers: Orphanet 98879, MedGen C0008533, MeSH D002836, MONDO:0010604, OMIM 306900.

Allele frequency attached by ClinVar (database versions not stated): gnomAD exomes below 0.00001.
gnomAD v4.1: 1 of 1,210,037 alleles (0.000083%); highest among the groups gnomAD compares: Non-Finnish European, 0.00011%; no homozygotes.

Submissions (2):

North West Genomic Laboratory Hub, Manchester University NHS Foundation Trust
Classification: Likely pathogenic for Factor VIII deficiency. Last evaluated: 2025-10-23. Review status: criteria provided, single submitter. Criteria: ACGS Best Practice Guidelines for Variant Classification in Rare Disease 2024. Collection method: clinical testing. Allele origin: germline. Affected: yes.
Comment: PM2_Mod PP3_Supp PM5_Mod PP4_Mod PS4_Mod

NIHR Bioresource Rare Diseases, University of Cambridge
Classification: Pathogenic for Hereditary factor IX deficiency disease. Last evaluated: 2019-02-01. Review status: criteria provided, single submitter. Criteria: ACMG Guidelines, 2015. Collection method: research. Allele origin: unknown. Affected: yes. Observed: 1 hemizygote. Study: ThromboGenomics.

Literature cited by the submitters: PubMed 31064749 (cited by NIHR Bioresource Rare Diseases, University of Cambridge).